The following is an entry in ClinVar:

ClinVar aggregate classification (germline): Likely benign. Review status: criteria provided, multiple submitters, no conflicts (2 of 4 stars). 2 submissions from 2 submitters: Likely benign (2). Last evaluated 2026-08-07.

Conditions:
Familial cancer of breast. Also called: Hereditary breast cancer; BREAST CANCER, FAMILIAL; hereditary breast carcinoma. Identifiers: Orphanet 227535, MedGen C0346153, MONDO:0016419, OMIM 114480. Disease mechanism: loss of function.
Hereditary cancer-predisposing syndrome. Also called: Tumor predisposition; Hereditary Cancer Syndrome; Neoplastic Syndromes, Hereditary; Hereditary neoplastic syndrome. Identifiers: Orphanet 140162, MedGen C0027672, MeSH D009386, MONDO:0015356.

Submissions (2):

Ambry Genetics
Classification: Likely benign for Hereditary cancer-predisposing syndrome. Last evaluated: 2026-08-07. Review status: criteria provided, single submitter. Criteria: Ambry Variant Classification Scheme 2023. Collection method: clinical testing. Allele origin: germline.

Myriad Genetics, Inc.
Classification: Likely benign for Familial cancer of breast. Last evaluated: 2023-12-13. Review status: criteria provided, single submitter. Criteria: Myriad Autosomal Dominant, Autosomal Recessive and X-Linked Classification Criteria (2023). Collection method: clinical testing. Allele origin: unknown.
Comment: This variant is considered likely benign. This variant is a silent/synonymous amino acid change and it is not expected to impact splicing.

NM_000465.4(BARD1):c.1677A>G (p.Val559=)

Gene: BARD1 (BRCA1 associated RING domain 1; minus strand). Cytogenetic location: 2q35.
Variant type: single nucleotide variant.
Coding change: c.1677A>G on transcript NM_000465.4 (MANE Select); coding-DNA position 1677, A replaced by G.
Protein change: p.Val559=; no amino-acid change (valine 559 retained).
Molecular consequence: synonymous variant. On other transcripts: non-coding transcript variant (3), intron variant (1).
Genome position (GRCh38, 1-based): chr2:214,752,447, T>C on the plus strand (A>G on the coding strand, the complement: BARD1 is on the minus strand). VCF-style: chr2-214752447-T-C. GRCh37 (hg19) VCF-style: chr2-215617171-T-C.
Other names: c.1677A>G (NM_000465.2); c.1620A>G, p.Val540= (NM_001282543.2); c.324A>G, p.Val108= (NM_001282545.2); c.267A>G, p.Val89= (NM_001282548.2); c.365-21939A>G (NM_001282549.2).
Identifiers: ClinVar variation 3148183 (VCV003148183.2), dbSNP rs2469377379, ClinGen allele CA431147615.